The following is an entry in ClinVar:

NM_182961.4(SYNE1):c.24535C>A (p.Pro8179Thr)

Gene: SYNE1 (spectrin repeat containing nuclear envelope protein 1; minus strand). Cytogenetic location: 6q25.2.
Variant type: single nucleotide variant.
Coding change: c.24535C>A on transcript NM_182961.4 (MANE Select); coding-DNA position 24535, C replaced by A.
Protein change: p.Pro8179Thr; replaces proline 8179 with threonine.
Molecular consequence: missense variant.
Genome position (GRCh38, 1-based): chr6:152,149,584, G>T on the plus strand (C>A on the coding strand, the complement: SYNE1 is on the minus strand). VCF-style: chr6-152149584-G-T. GRCh37 (hg19) VCF-style: chr6-152470719-G-T.
Other names: c.1141C>A, p.Pro381Thr (NM_001347701.2); c.1000C>A, p.Pro334Thr (NM_001347702.2); c.24322C>A, p.Pro8108Thr (NM_033071.5); short protein forms P8108T, P8179T, P381T, P334T.
Identifiers: ClinVar variation 1431419 (VCV001431419.6), dbSNP rs2060075935, ClinGen allele CA366086295.

ClinVar aggregate classification (germline): Uncertain significance (1 of 4 stars; one submission).

Conditions:
Emery-Dreifuss muscular dystrophy 4, autosomal dominant (EDMD4). Also called: EMERY-DREIFUSS MUSCULAR DYSTROPHY 4 WITH VARIABLE FEATURES. Identifiers: Orphanet 261, MedGen C2751807, MONDO:0013071, OMIM 612998.
Autosomal recessive ataxia, Beauce type. Also called: Spinocerebellar ataxia, autosomal recessive 8; ATAXIA, RECESSIVE, OF BEAUCE; SYNE1 Deficiency; SYNE1-Related Autosomal Recessive Cerebellar Ataxia. Identifiers: Orphanet 88644, MedGen C1853116, MONDO:0012549, OMIM 610743.

Allele frequency attached by ClinVar (database versions not stated): gnomAD 0.00001.
gnomAD v4.1: 3 of 1,613,934 alleles (0.00019%); highest among the groups gnomAD compares: African/African-American, 0.0027%; no homozygotes.

Submission:

Labcorp Genetics (formerly Invitae), Labcorp
Classification: Uncertain significance for Emery-Dreifuss muscular dystrophy 4, autosomal dominant; Autosomal recessive ataxia, Beauce type. Last evaluated: 2021-09-06. Review status: criteria provided, single submitter. Criteria: Invitae Variant Classification Sherloc (09022015). Collection method: clinical testing. Allele origin: germline.
Comment: Algorithms developed to predict the effect of missense changes on protein structure and function are either unavailable or do not agree on the potential impact of this missense change (SIFT: "Deleterious"; PolyPhen-2: "Probably Damaging"; Align-GVGD: "Class C0"). In summary, the available evidence is currently insufficient to determine the role of this variant in disease. Therefore, it has been classified as a Variant of Uncertain Significance. This variant has not been reported in the literature in individuals affected with SYNE1-related conditions. This variant is not present in population databases (ExAC no frequency). This sequence change replaces proline with threonine at codon 8108 of the SYNE1 protein (p.Pro8108Thr). The proline residue is highly conserved and there is a small physicochemical difference between proline and threonine.